The following is an entry in ClinVar:

ClinVar aggregate classification (germline): Pathogenic. Review status: criteria provided, multiple submitters, no conflicts (2 of 4 stars). 2 submissions from 2 submitters: Pathogenic (2). Last evaluated 2024-05-26.

Conditions:
Hereditary cancer-predisposing syndrome. Also called: Hereditary Cancer Syndrome; Neoplastic Syndromes, Hereditary; Tumor predisposition; Hereditary neoplastic syndrome. Identifiers: Orphanet 140162, MedGen C0027672, MeSH D009386, MONDO:0015356.
Ataxia-telangiectasia syndrome (AT). Also called: Cerebello-oculocutaneous telangiectasia; Immunodeficiency with ataxia telangiectasia; Ataxia-telangiectasia, complementation group E; Ataxia-telangiectasia, complementation group D; AT, COMPLEMENTATION GROUP C; ATAXIA-TELANGIECTASIA, COMPLEMENTATION GROUP A. Identifiers: Orphanet 100, MedGen C0004135, MONDO:0008840, OMIM 208900.

Submissions (2):

Labcorp Genetics (formerly Invitae), Labcorp
Classification: Pathogenic for Ataxia-telangiectasia syndrome. Last evaluated: 2024-05-26. Review status: criteria provided, single submitter. Criteria: Invitae Variant Classification Sherloc (09022015). Collection method: clinical testing. Allele origin: germline.
Comment: This sequence change creates a premature translational stop signal (p.Thr2228Serfs*20) in the ATM gene. It is expected to result in an absent or disrupted protein product. Loss-of-function variants in ATM are known to be pathogenic (PMID: 23807571, 25614872). This variant is not present in population databases (gnomAD no frequency). This variant has not been reported in the literature in individuals affected with ATM-related conditions. ClinVar contains an entry for this variant (Variation ID: 571716). For these reasons, this variant has been classified as Pathogenic.

Ambry Genetics
Classification: Pathogenic for Hereditary cancer-predisposing syndrome. Last evaluated: 2023-07-28. Review status: criteria provided, single submitter. Criteria: Ambry Variant Classification Scheme 2023. Collection method: clinical testing. Allele origin: germline.
Comment: The c.6683_6684delCA pathogenic mutation, located in coding exon 45 of the ATM gene, results from a deletion of two nucleotides at nucleotide positions 6683 to 6684, causing a translational frameshift with a predicted alternate stop codon (p.T2228Sfs*20). This variant is considered to be rare based on population cohorts in the Genome Aggregation Database (gnomAD). This alteration is expected to result in loss of function by premature protein truncation or nonsense-mediated mRNA decay. As such, this alteration is interpreted as a disease-causing mutation.

Literature cited by the submitters: PubMed 23807571 (cited by Labcorp Genetics (formerly Invitae), Labcorp); PubMed 25614872 (cited by Labcorp Genetics (formerly Invitae), Labcorp).

NM_000051.4(ATM):c.6683_6684del (p.Thr2228fs)

Genes: ATM (ATM serine/threonine kinase; plus strand), C11orf65 (chromosome 11 open reading frame 65; minus strand). Cytogenetic location: 11q22.3.
Variant type: Microsatellite.
Coding change: c.6683_6684del on transcript NM_000051.4 (MANE Select); coding-DNA positions 6683 to 6684, 2 bases deleted (CA; older notation c.6683_6684delCA).
Protein change: p.Thr2228fs; shifts the reading frame from threonine 2228.
Molecular consequence: frameshift variant. On other transcripts: intron variant (2).
Genome position (GRCh38, 1-based): chr11:108,325,420-108,325,421, CA deleted; deleting any 2 consecutive bases within chr11:108,325,418-108,325,421 gives the same sequence; the c. name uses the placement nearest the transcript's 3' end. VCF-style (leftmost placement, unchanged base first): chr11-108325417-GCA-G. GRCh37 (hg19) VCF-style: chr11-108196144-GCA-G.
Other names: c.6683_6684delCA (NM_000051.3); c.6683_6684del, p.Thr2228fs (NM_001351834.2); c.641-16348_641-16347del (NM_001330368.2); c.*38+9801_*38+9802del (NM_001351110.2); short protein forms T2228fs.
Identifiers: ClinVar variation 571716 (VCV000571716.11), dbSNP rs1565518539, ClinGen allele CA891842652.